The following is an entry in ClinVar:

NM_203486.3(DLL3):c.423C>A (p.Ser141Arg)

Genes: DLL3 (delta like canonical Notch ligand 3; plus strand), LOC130064417 (ATAC-STARR-seq lymphoblastoid silent region 10608; plus strand). Cytogenetic location: 19q13.2.
Variant type: single nucleotide variant.
Coding change: c.423C>A on transcript NM_203486.3 (MANE Select); coding-DNA position 423, C replaced by A.
Protein change: p.Ser141Arg; replaces serine 141 with arginine.
Molecular consequence: missense variant.
Genome position (GRCh38, 1-based): chr19:39,502,828, C>A. VCF-style: chr19-39502828-C-A. GRCh37 (hg19) VCF-style: chr19-39993468-C-A.
Other names: c.423C>A, p.Ser141Arg (NM_016941.4); short protein forms S141R.
Identifiers: ClinVar variation 1504991 (VCV001504991.5), dbSNP rs756066182, ClinGen allele CA9432201.

ClinVar aggregate classification (germline): Uncertain significance (1 of 4 stars; one submission).

Allele frequency attached by ClinVar (database versions not stated): gnomAD exomes 0.00003; gnomAD 0.00005 and 0.00006.
gnomAD v4.1: 39 of 1,420,040 alleles (0.0027%); highest among the groups gnomAD compares: Non-Finnish European, 0.0011%; no homozygotes.

Submission:

Labcorp Genetics (formerly Invitae), Labcorp
Classification: Uncertain significance. Last evaluated: 2022-02-05. Review status: criteria provided, single submitter. Criteria: Invitae Variant Classification Sherloc (09022015). Collection method: clinical testing. Allele origin: germline.
Comment: This sequence change replaces serine, which is neutral and polar, with arginine, which is basic and polar, at codon 141 of the DLL3 protein (p.Ser141Arg). The frequency data for this variant in the population databases is considered unreliable, as metrics indicate poor data quality at this position in the gnomAD database. This variant has not been reported in the literature in individuals affected with DLL3-related conditions. Algorithms developed to predict the effect of missense changes on protein structure and function (SIFT, PolyPhen-2, Align-GVGD) all suggest that this variant is likely to be tolerated. In summary, the available evidence is currently insufficient to determine the role of this variant in disease. Therefore, it has been classified as a Variant of Uncertain Significance.